The following is an entry in ClinVar:

ClinVar aggregate classification (germline): Uncertain significance (1 of 4 stars; one submission).

Conditions:
Hereditary spastic paraplegia 39 (SPG39). Also called: Spastic Paraplegia Type 39 (SPG39); SPASTIC PARAPLEGIA 39, AUTOSOMAL RECESSIVE. Identifiers: Orphanet 139480, MedGen C2677586, MONDO:0012787, OMIM 612020.

Allele frequency attached by ClinVar (database versions not stated): TOPMed below 0.00001.

Submission:

Labcorp Genetics (formerly Invitae), Labcorp
Classification: Uncertain significance for Hereditary spastic paraplegia 39. Last evaluated: 2022-01-14. Review status: criteria provided, single submitter. Criteria: Invitae Variant Classification Sherloc (09022015). Collection method: clinical testing. Allele origin: germline.
Comment: This sequence change replaces glutamine, which is neutral and polar, with glutamic acid, which is acidic and polar, at codon 807 of the PNPLA6 protein (p.Gln807Glu). This variant is not present in population databases (gnomAD no frequency). This variant has not been reported in the literature in individuals affected with PNPLA6-related conditions. ClinVar contains an entry for this variant (Variation ID: 934065). Algorithms developed to predict the effect of missense changes on protein structure and function (SIFT, PolyPhen-2, Align-GVGD) all suggest that this variant is likely to be tolerated. In summary, the available evidence is currently insufficient to determine the role of this variant in disease. Therefore, it has been classified as a Variant of Uncertain Significance.

NM_001166114.2(PNPLA6):c.2533C>G (p.Gln845Glu)

Gene: PNPLA6 (patatin like domain 6, lysophospholipase; plus strand). Cytogenetic location: 19p13.2.
Variant type: single nucleotide variant.
Coding change: c.2533C>G on transcript NM_001166114.2 (MANE Select); coding-DNA position 2533, C replaced by G.
Protein change: p.Gln845Glu; replaces glutamine 845 with glutamic acid.
Molecular consequence: missense variant.
Genome position (GRCh38, 1-based): chr19:7,554,622, C>G. VCF-style: chr19-7554622-C-G. GRCh37 (hg19) VCF-style: chr19-7619508-C-G.
Other names: c.2563C>G, p.Gln855Glu (NM_001166111.2); c.2338C>G, p.Gln780Glu (NM_001166112.2); c.2419C>G, p.Gln807Glu (NM_001166113.1, NM_006702.5); short protein forms Q807E, Q780E, Q845E, Q855E.
Identifiers: ClinVar variation 934065 (VCV000934065.7), dbSNP rs774188638, ClinGen allele CA403128724.